The following is an entry in ClinVar:

ClinVar aggregate classification (germline): Likely pathogenic (1 of 4 stars; one submission).

Submission:

Labcorp Genetics (formerly Invitae), Labcorp
Classification: Likely pathogenic. Last evaluated: 2023-10-11. Review status: criteria provided, single submitter. Criteria: Invitae Variant Classification Sherloc (09022015). Collection method: clinical testing. Allele origin: germline.
Comment: This sequence change replaces alanine, which is neutral and non-polar, with proline, which is neutral and non-polar, at codon 1262 of the ABCC8 protein (p.Ala1262Pro). This variant is not present in population databases (gnomAD no frequency). This variant has not been reported in the literature in individuals affected with ABCC8-related conditions. Advanced modeling of protein sequence and biophysical properties (such as structural, functional, and spatial information, amino acid conservation, physicochemical variation, residue mobility, and thermodynamic stability) performed at Invitae indicates that this missense variant is expected to disrupt ABCC8 protein function. This variant disrupts the p.Ala1262 amino acid residue in ABCC8. Other variant(s) that disrupt this residue have been determined to be pathogenic (PMID: 21981106, 26092864). This suggests that this residue is clinically significant, and that variants that disrupt this residue are likely to be disease-causing. In summary, the currently available evidence indicates that the variant is pathogenic, but additional data are needed to prove that conclusively. Therefore, this variant has been classified as Likely Pathogenic.

Literature cited by the submitters: PubMed 21981106; PubMed 26092864.

NM_000352.6(ABCC8):c.3784G>C (p.Ala1262Pro)

Gene: ABCC8 (ATP binding cassette subfamily C member 8; minus strand). Cytogenetic location: 11p15.1.
Variant type: single nucleotide variant.
Coding change: c.3784G>C on transcript NM_000352.6 (MANE Select); coding-DNA position 3784, G replaced by C.
Protein change: p.Ala1262Pro; replaces alanine 1262 with proline.
Molecular consequence: missense variant. On other transcripts: non-coding transcript variant (1).
Genome position (GRCh38, 1-based): chr11:17,397,767, C>G on the plus strand (G>C on the coding strand, the complement: ABCC8 is on the minus strand). VCF-style: chr11-17397767-C-G. GRCh37 (hg19) VCF-style: chr11-17419314-C-G.
Other names: c.3787G>C, p.Ala1263Pro (NM_001287174.3); c.3850G>C, p.Ala1284Pro (NM_001351295.2); c.3784G>C, p.Ala1262Pro (NM_001351296.2); c.3781G>C, p.Ala1261Pro (NM_001351297.2); short protein forms A1261P, A1263P, A1284P, A1262P.
Identifiers: ClinVar variation 2767569 (VCV002767569.3), dbSNP rs1266053680, ClinGen allele CA379793537.
Genomic context (GRCh38, chr11:17,397,767, plus strand): 5'-GGCCCACCAGGCCAGCAGAGAGCTCCCTGTGCAGGGAGTTGGAGATGGAGGTCACCGCTG[C>G]GATGAGCACCACACATGCACCGATGTACTCCTGGGGAGGGAGAGGAGCTGACCTGGGCGC-3'
Protein context (NP_000343.2, residues 1252-1272): EYIGACVVLI[Ala1262Pro]AVTSISNSLH